The following is an entry in ClinVar:

NM_015335.5(MED13L):c.3343C>G (p.Leu1115Val)

Gene: MED13L (mediator complex subunit 13L; minus strand). Cytogenetic location: 12q24.21.
Variant type: single nucleotide variant.
Coding change: c.3343C>G on transcript NM_015335.5 (MANE Select); coding-DNA position 3343, C replaced by G.
Protein change: p.Leu1115Val; replaces leucine 1115 with valine.
Molecular consequence: missense variant.
Genome position (GRCh38, 1-based): chr12:115,991,611, G>C on the plus strand (C>G on the coding strand, the complement: MED13L is on the minus strand). VCF-style: chr12-115991611-G-C. GRCh37 (hg19) VCF-style: chr12-116429416-G-C.
Other names: short protein forms L1115V.
Identifiers: ClinVar variation 4072629 (VCV004072629.1).
Genomic context (GRCh38, chr12:115,991,611, plus strand): 5'-CACAGATGCAACAGCTGTCAAAGTTTCTGTCTTTAAAGATATTCATCACGGAATCGGAGA[G>C]AATCAGGGTAACATAGAGGCTGTGGGCTTCGGGAATTGGCTGCATGGTGGCGGGCTCCAC-3'
Protein context (NP_056150.1, residues 1105-1125): EAHSLYVTLI[Leu1115Val]SDSVMNIFKD

ClinVar aggregate classification (germline): Uncertain significance (1 of 4 stars; one submission).

gnomAD v4.1: 2 of 1,614,136 alleles (0.00012%); no homozygotes.

Submission:

GeneDx
Classification: Uncertain significance. Last evaluated: 2025-01-29. Review status: criteria provided, single submitter. Criteria: GeneDx Variant Classification Process June 2021. Collection method: clinical testing. Allele origin: germline. Affected: yes.
Comment: Not observed at significant frequency in large population cohorts (gnomAD); In silico analysis supports that this missense variant has a deleterious effect on protein structure/function; Has not been previously published as pathogenic or benign to our knowledge